The following is an entry in ClinVar:

NM_015122.3(FCHO1):c.1073A>G (p.Tyr358Cys)

Gene: FCHO1 (FCH and mu domain containing endocytic adaptor 1; plus strand). Cytogenetic location: 19p13.11.
Variant type: single nucleotide variant.
Coding change: c.1073A>G on transcript NM_015122.3 (MANE Select); coding-DNA position 1073, A replaced by G.
Protein change: p.Tyr358Cys; replaces tyrosine 358 with cysteine.
Molecular consequence: missense variant. On other transcripts: non-coding transcript variant (36).
Genome position (GRCh38, 1-based): chr19:17,776,052, A>G. VCF-style: chr19-17776052-A-G. GRCh37 (hg19) VCF-style: chr19-17886861-A-G.
Other names: c.1073A>G, p.Tyr358Cys (NM_001161357.2, NM_001161358.2, NM_001384370.1 and 25 more transcripts); c.923A>G, p.Tyr308Cys (NM_001161359.2, NM_001384384.1, NM_001384385.1 and 3 more transcripts); c.1034A>G, p.Tyr345Cys (NM_001384388.1, NM_001384389.1, NM_001384405.1); c.998A>G, p.Tyr333Cys (NM_001384390.1); c.1028A>G, p.Tyr343Cys (NM_001384403.1); short protein forms Y345C, Y308C, Y343C, Y358C, Y333C.
Identifiers: ClinVar variation 1359775 (VCV001359775.4), dbSNP rs772977801, ClinGen allele CA9300381.
Genomic context (GRCh38, chr19:17,776,052, plus strand): 5'-AGCCCTCCCGTTTCTCGTCCAGCGACTCCGACTTCGACGATGAAGAGCCCCGCAAGTTCT[A>G]TGTGCACATCAAGCCTGCCCCGGCCCGGGCTCCAGCCTGCAGCCCCGAGGCAGCAGCGGC-3'
Protein context (NP_055937.1, residues 348-368): DFDDEEPRKF[Tyr358Cys]VHIKPAPARA

ClinVar aggregate classification (germline): Uncertain significance (1 of 4 stars; one submission).

Allele frequency attached by ClinVar (database versions not stated): gnomAD exomes below 0.00001 and 0.00001; TOPMed below 0.00001; ExAC 0.00002.
gnomAD v4.1: 10 of 1,610,972 alleles (0.00062%); highest among the groups gnomAD compares: Admixed American, 0.0017%; no homozygotes.

Submission:

Labcorp Genetics (formerly Invitae), Labcorp
Classification: Uncertain significance. Last evaluated: 2024-09-08. Review status: criteria provided, single submitter. Criteria: Invitae Variant Classification Sherloc (09022015). Collection method: clinical testing. Allele origin: germline.
Comment: This sequence change replaces tyrosine, which is neutral and polar, with cysteine, which is neutral and slightly polar, at codon 358 of the FCHO1 protein (p.Tyr358Cys). This variant is present in population databases (rs772977801, gnomAD 0.006%). This variant has not been reported in the literature in individuals affected with FCHO1-related conditions. ClinVar contains an entry for this variant (Variation ID: 1359775). An algorithm developed to predict the effect of missense changes on protein structure and function (PolyPhen-2) suggests that this variant is likely to be disruptive. In summary, the available evidence is currently insufficient to determine the role of this variant in disease. Therefore, it has been classified as a Variant of Uncertain Significance.